The following continues an entry in ClinVar:

NM_017739.4(POMGNT1):c.1539+1G>A

ClinVar aggregate classification (germline): Pathogenic. Pathogenic (25).

Submissions 23 to 33 of 33:

Illumina Laboratory Services, Illumina
Classification: Pathogenic for POMGNT1-Related Disorders. Last evaluated: 2017-04-27. Review status: criteria provided, single submitter. Criteria: ICSL Variant Classification Criteria 09 May 2019. Collection method: clinical testing. Allele origin: germline.
Comment: The POMGNT1 c.1539+1G>A variant occurs in a canonical splice site (donor) and is therefore predicted to disrupt or distort the normal gene product. Across a selection of available literature, the c.1539+1G>A variant has been identified in at least 35 individuals with POMGNT1-related disorders, including in a homozygous state in 25 individuals and in a compound heterozygous state in six individuals and five fetuses (Yoshida et al. 2001; Taniguchi et al. 2003; Deisen et al. 2004; Vajsar et al. 2006; Hehr et al. 2007; Bouchet et al. 2007; Godfrey et al. 2007; Teber et al. 2008; Devisme et al. 2012; Amir et al. 2016). The c.1539+1G>A variant was reported in three of 1000 control alleles in a heterozygous state and at a frequency of 0.00240 in the European (Finnish) population of the Exome Aggregation Consortium. RT-PCR analysis confirmed that the variant disrupts splicing resulting in the skipping of exon 17 and premature truncation of the protein (Yoshida et al. 2001). Functional studies using targeted expression in HEK293 cells or fibroblasts from patients demonstrated that the POMGNT1 enzyme activity was significantly reduced (Yoshida et al. 2001; Vajsar et al. 2006). Based on the collective evidence, the c.1539+1G>A variant is classified as pathogenic for POMGNT1-related disorders. This variant was observed by ICSL as part of a predisposition screen in an ostensibly healthy population.

Eurofins Ntd Llc (ga)
Classification: Pathogenic. Last evaluated: 2016-08-25. Review status: criteria provided, single submitter. Criteria: EGL Classification Definitions. Collection method: clinical testing. Allele origin: germline. Observed: 5 variant alleles, 4 heterozygotes, 1 homozygote.

Genetic Services Laboratory, University of Chicago
Classification: Pathogenic for Congenital muscular alpha-dystroglycanopathy with brain and eye anomalies. Last evaluated: 2015-12-10. Review status: criteria provided, single submitter. Criteria: ACMG Guidelines, 2015. Collection method: clinical testing. Allele origin: germline. Affected: yes.

Counsyl
Classification: Pathogenic for Retinitis pigmentosa 76. Last evaluated: 2015-06-14. Review status: no assertion criteria provided. Collection method: clinical testing. Allele origin: unknown. Not counted in ClinVar's aggregate classification.

OMIM
Classification: Pathogenic for MUSCULAR DYSTROPHY-DYSTROGLYCANOPATHY (CONGENITAL WITH BRAIN AND EYE ANOMALIES), TYPE A, 3. Last evaluated: 2004-10-01. Review status: no assertion criteria provided. Collection method: literature only. Allele origin: germline. Not counted in ClinVar's aggregate classification.

Clinical Genetics DNA and cytogenetics Diagnostics Lab, Erasmus MC, Erasmus Medical Center
Classification: Likely pathogenic. Review status: no assertion criteria provided. Collection method: clinical testing. Allele origin: germline. Affected: yes. Study: VKGL Data-share Consensus. Not counted in ClinVar's aggregate classification.

Dr. Peter K. Rogan Lab, Western University
No classification provided (evidence only). Condition: Cervical cancer. Review status: no classification provided. Collection method: in vitro. Allele origin: not applicable. Functional consequence: skipped exon, retained intron. Not counted in ClinVar's aggregate classification.

Dr. Peter K. Rogan Lab, Western University
No classification provided (evidence only). Condition: Malignant tumor of esophagus. Review status: no classification provided. Collection method: in vitro. Allele origin: not applicable. Functional consequence: skipped exon, retained intron. Not counted in ClinVar's aggregate classification.

Genome Diagnostics Laboratory, Amsterdam University Medical Center
Classification: Pathogenic. Review status: no assertion criteria provided. Collection method: clinical testing. Allele origin: germline. Affected: yes. Study: VKGL Data-share Consensus. Not counted in ClinVar's aggregate classification.

Genome Diagnostics Laboratory, University Medical Center Utrecht
Classification: Pathogenic. Review status: no assertion criteria provided. Collection method: clinical testing. Allele origin: germline. Affected: yes. Study: VKGL Data-share Consensus. Not counted in ClinVar's aggregate classification.

Juha Muilu Group; Institute for Molecular Medicine Finland (FIMM)
Classification: Likely pathogenic for Muscle eye brain disease. Review status: no assertion criteria provided. Collection method: not provided. Allele origin: unknown. Not counted in ClinVar's aggregate classification.
Comment: FinDis database variant: This variant was not found or characterized by our laboratory, data were collected from public sources: see reference
ClinVar note: Converted during submission from probable-pathogenic to Likely pathogenic.

Literature cited by the submitters: PubMed 16199547 (cited by Labcorp Genetics (formerly Invitae), Labcorp); PubMed 19299310 (cited by Labcorp Genetics (formerly Invitae), Labcorp and Variantyx, Inc.); PubMed 20816175 (cited by Labcorp Genetics (formerly Invitae), Labcorp and Variantyx, Inc.); PubMed 21447391 (cited by Labcorp Genetics (formerly Invitae), Labcorp and Variantyx, Inc.); PubMed 26908613 (cited by Labcorp Genetics (formerly Invitae), Labcorp and Variantyx, Inc.); PubMed 27391550 (cited by Labcorp Genetics (formerly Invitae), Labcorp and Variantyx, Inc.); PubMed 11709191 (cited by 10 submitters); PubMed 23326386 (cited by 3 submitters); PubMed 30961548 (cited by Variantyx, Inc. and Institute of Human Genetics, Univ. Regensburg, Univ. Regensburg); PubMed 19067344 (cited by Natera, Inc.); PubMed 17906881 (cited by Natera, Inc. and Illumina Laboratory Services, Illumina); PubMed 15466003 (cited by 6 submitters); PubMed 22323514 (cited by Institute of Human Genetics, Univ. Regensburg, Univ. Regensburg and Illumina Laboratory Services, Illumina); PubMed 25525159 (cited by Institute of Human Genetics, Univ. Regensburg, Univ. Regensburg); PubMed 26990548 (cited by Institute of Human Genetics, Univ. Regensburg, Univ. Regensburg); PubMed 27604308 (cited by Institute of Human Genetics, Univ. Regensburg, Univ. Regensburg); PubMed 31589614 (cited by Institute of Human Genetics, Univ. Regensburg, Univ. Regensburg); PubMed 31980526 (cited by Institute of Human Genetics, Univ. Regensburg, Univ. Regensburg); PubMed 33144682 (cited by Institute of Human Genetics, Univ. Regensburg, Univ. Regensburg); PubMed 12588800 (cited by 3 submitters); PubMed 17881266 (cited by Illumina Laboratory Services, Illumina); PubMed 17559086 (cited by Illumina Laboratory Services, Illumina); PubMed 17878207 (cited by Illumina Laboratory Services, Illumina); PubMed 16427280 (cited by Illumina Laboratory Services, Illumina); PubMed 26013959 (cited by Illumina Laboratory Services, Illumina).